The following is an entry in ClinVar:

NM_000722.4(CACNA2D1):c.2920G>T (p.Asp974Tyr)

Gene: CACNA2D1 (calcium voltage-gated channel auxiliary subunit alpha2delta 1; minus strand). Cytogenetic location: 7q21.11.
Variant type: single nucleotide variant.
Coding change: c.2920G>T on transcript NM_000722.4 (MANE Select); coding-DNA position 2920, G replaced by T.
Protein change: p.Asp974Tyr; replaces aspartic acid 974 with tyrosine.
Molecular consequence: missense variant.
Genome position (GRCh38, 1-based): chr7:81,961,940, C>A on the plus strand (G>T on the coding strand, the complement: CACNA2D1 is on the minus strand). VCF-style: chr7-81961940-C-A. GRCh37 (hg19) VCF-style: chr7-81591256-C-A.
Other names: c.2956G>T, p.Asp986Tyr (NM_001366867.1); short protein forms D986Y, D974Y.
Identifiers: ClinVar variation 4217928 (VCV004217928.1).
Genomic context (GRCh38, chr7:81,961,940, plus strand): 5'-AATAAATAAATTACCTGGAACAGTTTCCACAGTCTAATACACCACTGAATGATTTACTGT[C>A]GTTATCGAAGAAATACTGGGTTTGTTCAGTAATGCAGCTCTGCTTGGACAGGGAGGCCGT-3'
Protein context (NP_000713.2, residues 964-984): TEQTQYFFDN[Asp974Tyr]SKSFSGVLDC

ClinVar aggregate classification (germline): Uncertain significance (1 of 4 stars; one submission).

Conditions:
Cardiovascular phenotype. Identifiers: MedGen CN230736.

gnomAD v4.1: 2 of 1,611,138 alleles (0.00012%); highest among the groups gnomAD compares: South Asian, 0.0011%; no homozygotes.

Submission:

Ambry Genetics
Classification: Uncertain significance for Cardiovascular phenotype. Last evaluated: 2025-07-22. Review status: criteria provided, single submitter. Criteria: Ambry Variant Classification Scheme 2023. Collection method: clinical testing. Allele origin: germline.
Comment: The p.D974Y variant (also known as c.2920G>T), located in coding exon 36 of the CACNA2D1 gene, results from a G to T substitution at nucleotide position 2920. The aspartic acid at codon 974 is replaced by tyrosine, an amino acid with highly dissimilar properties. This amino acid position is conserved. In addition, the in silico prediction for this alteration is inconclusive. Based on the available evidence, the clinical significance of this variant remains unclear.